The following is an entry in ClinVar:

NM_002246.3(KCNK3):c.925A>G (p.Met309Val)

Gene: KCNK3 (potassium two pore domain channel subfamily K member 3; plus strand). Cytogenetic location: 2p23.3.
Variant type: single nucleotide variant.
Coding change: c.925A>G on transcript NM_002246.3 (MANE Select); coding-DNA position 925, A replaced by G.
Protein change: p.Met309Val; replaces methionine 309 with valine.
Molecular consequence: missense variant.
Genome position (GRCh38, 1-based): chr2:26,728,308, A>G. VCF-style: chr2-26728308-A-G. GRCh37 (hg19) VCF-style: chr2-26951176-A-G.
Other names: short protein forms M309V.
Identifiers: ClinVar variation 1349028 (VCV001349028.6), dbSNP rs2148038849, ClinGen allele CA346263043.

ClinVar aggregate classification (germline): Uncertain significance (1 of 4 stars; one submission).

Conditions:
Pulmonary hypertension, primary, 4. Identifiers: Orphanet 422, MedGen C3809198, MONDO:0014136, OMIM 615344.

Submission:

Labcorp Genetics (formerly Invitae), Labcorp
Classification: Uncertain significance for Pulmonary hypertension, primary, 4. Last evaluated: 2021-10-31. Review status: criteria provided, single submitter. Criteria: Invitae Variant Classification Sherloc (09022015). Collection method: clinical testing. Allele origin: germline.
Comment: This variant has not been reported in the literature in individuals affected with KCNK3-related conditions. In summary, the available evidence is currently insufficient to determine the role of this variant in disease. Therefore, it has been classified as a Variant of Uncertain Significance. Algorithms developed to predict the effect of missense changes on protein structure and function (SIFT, PolyPhen-2, Align-GVGD) all suggest that this variant is likely to be tolerated. This variant is not present in population databases (gnomAD no frequency). This sequence change replaces methionine, which is neutral and non-polar, with valine, which is neutral and non-polar, at codon 309 of the KCNK3 protein (p.Met309Val).